The following is an entry in ClinVar:

ClinVar aggregate classification (germline): Conflicting classifications of pathogenicity. Review status: criteria provided, conflicting classifications (1 of 4 stars). 4 submissions from 4 submitters: Uncertain significance (1); Likely benign (3). Last evaluated 2025-12-01.

Conditions:
Fanconi anemia complementation group A (FANCA). Also called: FANCA-Related Fanconi Anemia; Fanconi anemia, group A. Identifiers: Orphanet 84, MedGen C3469521, MONDO:0009215, OMIM 227650.
FANCA-related disorder. Also called: FANCA-related condition.
Fanconi anemia (FA). Also called: Fanconi's anemia. Identifiers: Orphanet 84, MedGen C0015625, MeSH D005199, MONDO:0019391.

Allele frequency attached by ClinVar (database versions not stated): gnomAD 0.00001 and 0.00003; gnomAD exomes 0.00002 and 0.00005; TOPMed 0.00004.
gnomAD v4.1: 80 of 1,611,150 alleles (0.005%); highest among the groups gnomAD compares: Non-Finnish European, 0.0058%; no homozygotes.

Submissions (4):

Labcorp Genetics (formerly Invitae), Labcorp
Classification: Likely benign for Fanconi anemia. Last evaluated: 2025-12-01. Review status: criteria provided, single submitter. Criteria: Invitae Variant Classification Sherloc (09022015). Collection method: clinical testing. Allele origin: germline.

PreventionGenetics, part of Exact Sciences
Classification: Likely benign for FANCA-related condition. Last evaluated: 2025-08-13. Review status: criteria provided, single submitter. Criteria: ACMG Guidelines, 2015. Collection method: clinical testing. Allele origin: germline.
Comment: This variant is classified as likely benign based on ACMG/AMP sequence variant interpretation guidelines (Richards et al. 2015 PMID: 25741868, with internal and published modifications).

Blueprint Genetics
Classification: Likely benign. Last evaluated: 2021-11-22. Review status: criteria provided, single submitter. Criteria: ACMG Guidelines, 2015. Collection method: clinical testing. Allele origin: germline.

Illumina Laboratory Services, Illumina
Classification: Uncertain significance for Fanconi anemia complementation group A. Last evaluated: 2018-01-12. Review status: criteria provided, single submitter. Criteria: ICSL Variant Classification Criteria 13 December 2019. Collection method: clinical testing. Allele origin: germline.

NM_000135.4(FANCA):c.3626+7G>A

Gene: FANCA (FA complementation group A; minus strand). Cytogenetic location: 16q24.3.
Variant type: single nucleotide variant.
Coding change: c.3626+7G>A on transcript NM_000135.4 (MANE Select); 7 bases into the intron after coding-DNA position 3626, G replaced by A.
Molecular consequence: intron variant.
Genome position (GRCh38, 1-based): chr16:89,744,952, C>T on the plus strand (G>A on the coding strand, the complement: FANCA is on the minus strand). VCF-style: chr16-89744952-C-T. GRCh37 (hg19) VCF-style: chr16-89811360-C-T.
Other names: c.3626+7G>A (NM_001286167.3).
Identifiers: ClinVar variation 700343 (VCV000700343.16), dbSNP rs933657325, ClinGen allele CA286623531.